The following is an entry in ClinVar:

ClinVar aggregate classification (germline): Uncertain significance (1 of 4 stars; one submission).

Submission:

Labcorp Genetics (formerly Invitae), Labcorp
Classification: Uncertain significance. Last evaluated: 2024-03-18. Review status: criteria provided, single submitter. Criteria: Invitae Variant Classification Sherloc (09022015). Collection method: clinical testing. Allele origin: germline.
Comment: This sequence change replaces arginine, which is basic and polar, with glycine, which is neutral and non-polar, at codon 2628 of the COL7A1 protein (p.Arg2628Gly). This variant is not present in population databases (gnomAD no frequency). This variant has not been reported in the literature in individuals affected with COL7A1-related conditions. Advanced modeling of protein sequence and biophysical properties (such as structural, functional, and spatial information, amino acid conservation, physicochemical variation, residue mobility, and thermodynamic stability) has been performed at Invitae for this missense variant, however the output from this modeling did not meet the statistical confidence thresholds required to predict the impact of this variant on COL7A1 protein function. This variant disrupts the p.Arg2628 amino acid residue in COL7A1. Other variant(s) that disrupt this residue have been determined to be pathogenic (PMID: 20555349, 32484238). This suggests that this residue is clinically significant, and that variants that disrupt this residue are likely to be disease-causing. In summary, the available evidence is currently insufficient to determine the role of this variant in disease. Therefore, it has been classified as a Variant of Uncertain Significance.

Literature cited by the submitters: PubMed 20555349; PubMed 32484238.

NM_000094.4(COL7A1):c.7882C>G (p.Arg2628Gly)

Gene: COL7A1 (collagen type VII alpha 1 chain; minus strand). Cytogenetic location: 3p21.31.
Variant type: single nucleotide variant.
Coding change: c.7882C>G on transcript NM_000094.4 (MANE Select); coding-DNA position 7882, C replaced by G.
Protein change: p.Arg2628Gly; replaces arginine 2628 with glycine.
Molecular consequence: missense variant.
Genome position (GRCh38, 1-based): chr3:48,567,885, G>C on the plus strand (C>G on the coding strand, the complement: COL7A1 is on the minus strand). VCF-style: chr3-48567885-G-C. GRCh37 (hg19) VCF-style: chr3-48605318-G-C.
Other names: short protein forms R2628G.
Identifiers: ClinVar variation 3679403 (VCV003679403.2).